The following is an entry in ClinVar:

ClinVar aggregate classification (germline): Uncertain significance. Review status: criteria provided, multiple submitters, no conflicts (2 of 4 stars). 3 submissions from 3 submitters: Uncertain significance (3). Last evaluated 2025-08-01.

Conditions:
Hereditary cancer-predisposing syndrome. Also called: Neoplastic Syndromes, Hereditary; Tumor predisposition; Hereditary Cancer Syndrome; Hereditary neoplastic syndrome. Identifiers: Orphanet 140162, MedGen C0027672, MeSH D009386, MONDO:0015356.
Familial adenomatous polyposis 1 (FAP1). Also called: FAMILIAL ADENOMATOUS POLYPOSIS 1, ATTENUATED; POLYPOSIS, ADENOMATOUS INTESTINAL. Identifiers: MedGen C2713442, MONDO:0021056, OMIM 175100. Disease mechanism: loss of function.

Allele frequency attached by ClinVar (database versions not stated): gnomAD exomes below 0.00001; TOPMed below 0.00001.
gnomAD v4.1: 2 of 1,614,180 alleles (0.00012%); highest among the groups gnomAD compares: South Asian, 0.0011%; no homozygotes.

Submissions (3):

Ambry Genetics
Classification: Uncertain significance for Hereditary cancer-predisposing syndrome. Last evaluated: 2025-08-01. Review status: criteria provided, single submitter. Criteria: Ambry Variant Classification Scheme 2023. Collection method: clinical testing. Allele origin: germline.
Comment: The p.E984K variant (also known as c.2950G>A), located in coding exon 15 of the APC gene, results from a G to A substitution at nucleotide position 2950. The glutamic acid at codon 984 is replaced by lysine, an amino acid with similar properties. This amino acid position is well conserved in available vertebrate species. Based on the available evidence, the clinical significance of this variant remains unclear.

Labcorp Genetics (formerly Invitae), Labcorp
Classification: Uncertain significance for Familial adenomatous polyposis 1. Last evaluated: 2024-07-30. Review status: criteria provided, single submitter. Criteria: Invitae Variant Classification Sherloc (09022015). Collection method: clinical testing. Allele origin: germline.
Comment: This sequence change replaces glutamic acid, which is acidic and polar, with lysine, which is basic and polar, at codon 984 of the APC protein (p.Glu984Lys). This variant is not present in population databases (gnomAD no frequency). This variant has not been reported in the literature in individuals affected with APC-related conditions. ClinVar contains an entry for this variant (Variation ID: 1001105). Advanced modeling of protein sequence and biophysical properties (such as structural, functional, and spatial information, amino acid conservation, physicochemical variation, residue mobility, and thermodynamic stability) performed at Invitae indicates that this missense variant is not expected to disrupt APC protein function with a negative predictive value of 95%. In summary, the available evidence is currently insufficient to determine the role of this variant in disease. Therefore, it has been classified as a Variant of Uncertain Significance.

Baylor Genetics
Classification: Uncertain significance for Familial adenomatous polyposis 1. Last evaluated: 2023-09-08. Review status: criteria provided, single submitter. Criteria: ACMG Guidelines, 2015. Collection method: clinical testing. Allele origin: unknown.

NM_000038.6(APC):c.2950G>A (p.Glu984Lys)

Gene: APC (APC regulator of Wnt signaling pathway; plus strand). Cytogenetic location: 5q22.2.
Variant type: single nucleotide variant.
Coding change: c.2950G>A on transcript NM_000038.6 (MANE Select); coding-DNA position 2950, G replaced by A.
Protein change: p.Glu984Lys; replaces glutamic acid 984 with lysine.
Molecular consequence: missense variant.
Genome position (GRCh38, 1-based): chr5:112,838,544, G>A. VCF-style: chr5-112838544-G-A. GRCh37 (hg19) VCF-style: chr5-112174241-G-A.
Other names: c.2950G>A (NM_000038.5); c.2950G>A, p.Glu984Lys (NM_001127510.3, NM_001354895.2); c.2896G>A, p.Glu966Lys (NM_001127511.3); c.3004G>A, p.Glu1002Lys (NM_001354896.2); c.2980G>A, p.Glu994Lys (NM_001354897.2); c.2875G>A, p.Glu959Lys (NM_001354898.2); c.2866G>A, p.Glu956Lys (NM_001354899.2); c.2827G>A, p.Glu943Lys (NM_001354900.2); and 6 more; short protein forms E1002K, E701K, E824K, E858K, E883K, E893K, E925K, E943K.
Identifiers: ClinVar variation 1001105 (VCV001001105.12), dbSNP rs1254176854, ClinGen allele CA16027774.